The following is an entry in ClinVar:

ClinVar aggregate classification (germline): Conflicting classifications of pathogenicity. Review status: criteria provided, conflicting classifications (1 of 4 stars). 2 submissions from 2 submitters: Uncertain significance (1); Likely benign (1). Last evaluated 2023-01-01.

Conditions:
Hereditary spastic paraplegia 6 (SPG6). Also called: SPASTIC PARAPLEGIA 6, AUTOSOMAL DOMINANT. Identifiers: Orphanet 100988, MedGen C1838192, MONDO:0010878, OMIM 600363.

Allele frequency attached by ClinVar (database versions not stated): gnomAD 0.00072; TOPMed 0.00094.

Submissions (2):

CeGaT Center for Human Genetics Tuebingen
Classification: Likely benign. Last evaluated: 2023-01-01. Review status: criteria provided, single submitter. Criteria: CeGaT Center For Human Genetics Tuebingen Variant Classification Criteria Version 2. Collection method: clinical testing. Allele origin: germline. Affected: yes. Observed: 1 variant allele.
Comment: NIPA1: BS1

Illumina Laboratory Services, Illumina
Classification: Uncertain significance for Hereditary spastic paraplegia 6. Last evaluated: 2018-01-12. Review status: criteria provided, single submitter. Criteria: ICSL Variant Classification Criteria 13 December 2019. Collection method: clinical testing. Allele origin: germline.

NM_144599.5(NIPA1):c.*2070A>C

Gene: NIPA1 (NIPA magnesium transporter 1; plus strand). Cytogenetic location: 15q11.2.
Variant type: single nucleotide variant.
Coding change: c.*2070A>C on transcript NM_144599.5 (MANE Select); 2070 bases downstream of the stop codon, A replaced by C.
Molecular consequence: 3 prime UTR variant.
Genome position (GRCh38, 1-based): chr15:22,826,309, A>C. VCF-style: chr15-22826309-A-C. GRCh37 (hg19) VCF-style: chr15-23046759-T-G.
Other names: c.*2070A>C (NM_001142275.1).
Identifiers: ClinVar variation 315386 (VCV000315386.33), dbSNP rs746614226, ClinGen allele CA10641470.